The following is an entry in ClinVar:

ClinVar aggregate classification (germline): Conflicting classifications of pathogenicity. Review status: criteria provided, conflicting classifications (1 of 4 stars). 5 submissions from 4 submitters: Uncertain significance (2); Likely benign (3). Last evaluated 2025-11-21.

Conditions:
Catecholaminergic polymorphic ventricular tachycardia 1. Also called: VENTRICULAR TACHYCARDIA, CATECHOLAMINERGIC POLYMORPHIC, 1, WITH OR WITHOUT ATRIAL DYSFUNCTION AND/OR DILATED CARDIOMYOPATHY; RYR2-Related Catecholaminergic Polymorphic Ventricular Tachycardia; VENTRICULAR TACHYCARDIA, STRESS-INDUCED POLYMORPHIC 1. Identifiers: Orphanet 3286, MedGen C1631597, MONDO:0011484, OMIM 604772.
Arrhythmogenic right ventricular dysplasia 2. Identifiers: MedGen C1832931.

Allele frequency attached by ClinVar (database versions not stated): ExAC below 0.00001; gnomAD exomes 0.00003 and 0.00008; gnomAD 0.00004; TOPMed 0.00004.
gnomAD v4.1: 53 of 1,507,526 alleles (0.0035%); highest among the groups gnomAD compares: Admixed American, 0.026%; no homozygotes.

Submissions (5):

Labcorp Genetics (formerly Invitae), Labcorp
Classification: Likely benign for Catecholaminergic polymorphic ventricular tachycardia 1. Last evaluated: 2025-11-21. Review status: criteria provided, single submitter. Criteria: Invitae Variant Classification Sherloc (09022015). Collection method: clinical testing. Allele origin: germline.

Women's Health and Genetics/Laboratory Corporation of America, LabCorp
Classification: Likely benign. Last evaluated: 2025-01-09. Review status: criteria provided, single submitter. Criteria: LabCorp Variant Classification Summary - May 2015. Collection method: clinical testing. Allele origin: germline.
Comment: Variant summary: RYR2 c.11557+15G>A alters a non-conserved nucleotide located at a position not widely known to affect splicing. Consensus agreement among computation tools predict no significant impact on normal splicing. However, these predictions have yet to be confirmed by functional studies. The variant allele was found at a frequency of 7.8e-05 in 153080 control chromosomes, predominantly at a frequency of 0.00034 within the Latino subpopulation in the gnomAD database. The available data on variant occurrences in the general population are insufficient to allow any conclusion about variant significance. To our knowledge, no occurrence of c.11557+15G>A in individuals affected with Catecholaminergic Polymorphic Ventricular Tachycardia and no experimental evidence demonstrating its impact on protein function have been reported. ClinVar contains an entry for this variant (Variation ID: 296754). Based on the evidence outlined above, the variant was classified as likely benign.

Blueprint Genetics
Classification: Likely benign. Last evaluated: 2020-02-13. Review status: criteria provided, single submitter. Criteria: ACMG Guidelines, 2015. Collection method: clinical testing. Allele origin: germline.

Illumina Laboratory Services, Illumina
Classification: Uncertain significance for Catecholaminergic polymorphic ventricular tachycardia 1. Last evaluated: 2018-01-12. Review status: criteria provided, single submitter. Criteria: ICSL Variant Classification Criteria 13 December 2019. Collection method: clinical testing. Allele origin: germline.

Illumina Laboratory Services, Illumina
Classification: Uncertain significance for Catecholaminergic polymorphic ventricular tachycardia 1. Last evaluated: 2018-01-12. Review status: criteria provided, single submitter. Criteria: ICSL Variant Classification Criteria 13 December 2019. Collection method: clinical testing. Allele origin: germline.

NM_001035.3(RYR2):c.11557+15G>A

Gene: RYR2 (ryanodine receptor 2; plus strand). Cytogenetic location: 1q43.
Variant type: single nucleotide variant.
Coding change: c.11557+15G>A on transcript NM_001035.3 (MANE Select); 15 bases into the intron after coding-DNA position 11557, G replaced by A.
Molecular consequence: intron variant.
Genome position (GRCh38, 1-based): chr1:237,770,902, G>A. VCF-style: chr1-237770902-G-A. GRCh37 (hg19) VCF-style: chr1-237934202-G-A.
Other names: c.11557+15G>A (LRG_402t1).
Identifiers: ClinVar variation 296754 (VCV000296754.18), dbSNP rs761490797, ClinGen allele CA084994.